The following is an entry in ClinVar:

NM_203447.4(DOCK8):c.1373G>A (p.Gly458Glu)

Gene: DOCK8 (dedicator of cytokinesis 8; plus strand). Cytogenetic location: 9p24.3.
Variant type: single nucleotide variant.
Coding change: c.1373G>A on transcript NM_203447.4 (MANE Select); coding-DNA position 1373, G replaced by A.
Protein change: p.Gly458Glu; replaces glycine 458 with glutamic acid.
Molecular consequence: missense variant.
Genome position (GRCh38, 1-based): chr9:336,669, G>A. VCF-style: chr9-336669-G-A. GRCh37 (hg19) VCF-style: chr9-336669-G-A.
Other names: c.1169G>A, p.Gly390Glu (NM_001190458.2, NM_001193536.2); short protein forms G390E, G458E.
Identifiers: ClinVar variation 664741 (VCV000664741.10), dbSNP rs769150252, ClinGen allele CA4957706.

ClinVar aggregate classification (germline): Uncertain significance (1 of 4 stars; one submission).

Allele frequency attached by ClinVar (database versions not stated): ExAC 0.00002; gnomAD exomes 0.00004 and 0.00001; TOPMed 0.00001.
gnomAD v4.1: 61 of 1,614,108 alleles (0.0038%); highest among the groups gnomAD compares: Non-Finnish European, 0.005%; no homozygotes.

Submission:

Labcorp Genetics (formerly Invitae), Labcorp
Classification: Uncertain significance for Combined immunodeficiency due to DOCK8 deficiency. Last evaluated: 2019-12-13. Review status: criteria provided, single submitter. Criteria: Invitae Variant Classification Sherloc (09022015). Collection method: clinical testing. Allele origin: germline.
Comment: In summary, the available evidence is currently insufficient to determine the role of this variant in disease. Therefore, it has been classified as a Variant of Uncertain Significance. Algorithms developed to predict the effect of missense changes on protein structure and function are either unavailable or do not agree on the potential impact of this missense change (SIFT: "Deleterious"; PolyPhen-2: "Benign"; Align-GVGD: "Class C0"). This variant has not been reported in the literature in individuals with DOCK8-related disease. This variant is present in population databases (rs769150252, ExAC 0.003%). This sequence change replaces glycine with glutamic acid at codon 458 of the DOCK8 protein (p.Gly458Glu). The glycine residue is moderately conserved and there is a moderate physicochemical difference between glycine and glutamic acid.